The following is an entry in ClinVar:

ClinVar aggregate classification (germline): Uncertain significance (1 of 4 stars; one submission).

Conditions:
Walker-Warburg congenital muscular dystrophy. Also called: Muscular dystrophy-dystroglycanopathy, type A; Walker-Warburg syndrome. Identifiers: Orphanet 899, MedGen C0265221, MONDO:0000171.

Allele frequency attached by ClinVar (database versions not stated): TOPMed below 0.00001; gnomAD 0.00001; gnomAD exomes 0.00001.
gnomAD v4.1: 11 of 1,612,446 alleles (0.00068%); highest among the groups gnomAD compares: African/African-American, 0.0013%; no homozygotes.

Submission:

Labcorp Genetics (formerly Invitae), Labcorp
Classification: Uncertain significance for Walker-Warburg congenital muscular dystrophy. Last evaluated: 2021-08-31. Review status: criteria provided, single submitter. Criteria: Invitae Variant Classification Sherloc (09022015). Collection method: clinical testing. Allele origin: germline.
Comment: This sequence change replaces phenylalanine with isoleucine at codon 392 of the FKRP protein (p.Phe392Ile). The phenylalanine residue is moderately conserved and there is a small physicochemical difference between phenylalanine and isoleucine. This variant is not present in population databases (ExAC no frequency). This missense change has been observed in individual(s) with limb-girdle muscular dystrophy (PMID: 28688748). Algorithms developed to predict the effect of missense changes on protein structure and function are either unavailable or do not agree on the potential impact of this missense change (SIFT: "Deleterious"; PolyPhen-2: "Possibly Damaging"; Align-GVGD: "Class C0"). In summary, the available evidence is currently insufficient to determine the role of this variant in disease. Therefore, it has been classified as a Variant of Uncertain Significance.

Literature cited by the submitters: PubMed 28688748.

NM_024301.5(FKRP):c.1174T>A (p.Phe392Ile)

Gene: FKRP (fukutin related protein; plus strand). Cytogenetic location: 19q13.32.
Variant type: single nucleotide variant.
Coding change: c.1174T>A on transcript NM_024301.5 (MANE Select); coding-DNA position 1174, T replaced by A.
Protein change: p.Phe392Ile; replaces phenylalanine 392 with isoleucine.
Molecular consequence: missense variant.
Genome position (GRCh38, 1-based): chr19:46,756,624, T>A. VCF-style: chr19-46756624-T-A. GRCh37 (hg19) VCF-style: chr19-47259881-T-A.
Other names: c.1174T>A, p.Phe392Ile (NM_001039885.3); short protein forms F392I.
Identifiers: ClinVar variation 571284 (VCV000571284.6), dbSNP rs1269819838, ClinGen allele CA406496793.
Genomic context (GRCh38, chr19:46,756,624, plus strand): 5'-GTGGGCAACTGCGAGCAGCTGCGGGGGGCAGAGGCCGGCTCGGTGGTGGATGAGCGCGGC[T>A]TCGTATGGGAGAAGGCGGTCGAGGGCGACTTTTTCCGCGTGCAGTACAGCGAAAGCAACC-3'
Protein context (NP_077277.1, residues 382-402): EAGSVVDERG[Phe392Ile]VWEKAVEGDF